The following is an entry in ClinVar:

NM_000329.3(RPE65):c.246-11A>G

Gene: RPE65 (retinoid isomerohydrolase RPE65; minus strand). Cytogenetic location: 1p31.3.
Variant type: single nucleotide variant.
Coding change: c.246-11A>G on transcript NM_000329.3 (MANE Select); 11 bases into the intron before coding-DNA position 246, A replaced by G.
Molecular consequence: intron variant.
Genome position (GRCh38, 1-based): chr1:68,444,894, T>C on the plus strand (A>G on the coding strand, the complement: RPE65 is on the minus strand). VCF-style: chr1-68444894-T-C. GRCh37 (hg19) VCF-style: chr1-68910577-T-C.
Identifiers: ClinVar variation 973955 (VCV000973955.15), dbSNP rs905365719, ClinGen allele CA23575475.

ClinVar aggregate classification (germline): Likely pathogenic. Review status: reviewed by expert panel (3 of 4 stars). 11 submissions from 11 submitters: Likely pathogenic (1). 10 of the submissions do not count toward it. Last evaluated 2026-08-20.

Conditions:
RPE65-related recessive retinopathy. Also called: Recessive RPE65 retinopathy. Identifiers: MedGen CN305526, MONDO:0100368.
Leber congenital amaurosis 2 (LCA2). Also called: Autosomal Recessive RPE65-Related Retinal Degeneration; AMAUROSIS CONGENITA OF LEBER II. Identifiers: Orphanet 65, MedGen C1859844, MONDO:0008765, OMIM 204100. Disease mechanism: loss of function.
Retinitis pigmentosa 20 (RP20). Identifiers: Orphanet 791, MedGen C3151086, MONDO:0013425, OMIM 613794.
Retinal disorder. Also called: Retinopathy; Retinal disorders; Retinopathies; Retinal Diseases. Identifiers: MedGen C0035309, MONDO:0005283, HP:0000488.
Autosomal recessive RPE65-related disorders.
Retinitis pigmentosa 87 with choroidal involvement. Identifiers: MedGen C5231465, MONDO:0032873, OMIM 618697.
RPE65-related disorder. Also called: RPE65-related disorders; RPE65-related condition. Identifiers: MedGen CN239301.
Leber congenital amaurosis (LCA). Also called: Leber's amaurosis. Identifiers: Orphanet 65, MedGen C0339527, MeSH D057130, MONDO:0018998.
Retinal dystrophy. Also called: Inherited retinal dystrophy. Identifiers: Orphanet 71862, MedGen C0854723, MeSH D058499, MONDO:0019118, HP:0000556.
Inborn genetic diseases. Identifiers: MedGen C0950123, MeSH D030342.

Allele frequency attached by ClinVar (database versions not stated): gnomAD exomes below 0.00001 and 0.00001; TOPMed 0.00003.
gnomAD v4.1: 3 of 1,612,718 alleles (0.00019%); highest among the groups gnomAD compares: African/African-American, 0.0027%; no homozygotes.

Submissions (11):

ClinGen Leber Congenital Amaurosis/early Onset Retinal Dystrophy Variant Curation Expert Panel, ClinGen
Classification: Likely pathogenic for RPE65-related recessive retinopathy. Last evaluated: 2026-08-20. Review status: reviewed by expert panel. Criteria: ClinGen LCAeoRD ACMG Specifications RPE65 V1.0.0. Collection method: curation. Allele origin: germline. Inheritance: Autosomal recessive inheritance.
Comment: NM_000329.3(RPE65):c.246-11A>G is a variant within intron 3 adjacent to exon 4. The splicing impact predictor SpliceAI gives scores of 0.48 for splice acceptor loss and 0.39 for splice acceptor gain, which are above the ClinGen LCA / eoRD VCEP recommended threshold of ≥0.2 and predict a damaging impact on splicing. RT-PCR of RNA extracted from patient fibroblast-derived iPSCs detected a transcript with cryptic splice site usage introducing a frameshift and a premature termination codon, as well as a smaller amount of wild-type mRNA, consistent with a nearly complete splicing defect and most of the transcript undergoing nonsense-mediated decay (PVS1(RNA)_Strong). This variant has been reported in at least 2 unrelated probands with early-onset severe retinal dystrophy who were compound heterozygous with either the NM_000329.3:c.615_616delCA (p.Ile206Cysfs*27) variant suspected in trans (PMID: 29033008) or the NM_000329.3(RPE65):c.208T>G (p.Phe70Val) variant confirmed in trans (PMID: 33472769, which were previously classified pathogenic or likely pathogenic by the ClinGen LCA / eoRD VCEP (1.5 total points, PM3). At least one proband harboring this variant exhibits a phenotype including abnormal best corrected visual acuity (1 pt), visual field defect (1 pt), absence of rod response on ERG (0.5 pts), and improvement of FST and rod function following administration of RPE65 gene therapy (8 pts), which together are highly specific for RPE65-related recessive retinopathy (10.5 total points, PMID: 33472769, PP4_Moderate). This variant is present in gnomAD v.4.1.1 at a Grpmax allele frequency of 0.000004430, with 2 alleles / 74990 total alleles in the African/African American population, which is lower than the ClinGen LCA / eoRD VCEP PM2_Supporting threshold of <0.0002 (PM2_Supporting). In summary, this variant meets the criteria to be classified as Likely Pathogenic for RPE65-related recessive retinopathy based on the ACMG/AMP criteria applied, as specified by the ClinGen LCA/eoRD VCEP: PVS1(RNA)_Strong, PM2_Supporting, PM3, and PP4_Moderate. (LCA/eoRD VCEP specifications version 1.0.0)

Genetics Laboratory, Great Ormond Street Hospital NHS Foundation Trust, North Thames Genomic Laboratory Hub
Classification: Likely pathogenic for Retinal disorders. Last evaluated: 2026-07-29. Review status: criteria provided, single submitter. Criteria: ACGS Best Practice Guidelines for Variant Classification in Rare Disease 2024 v1.2. Collection method: clinical testing. Allele origin: germline. Affected: yes. Not counted in ClinVar's aggregate classification.
Comment: PM2_moderate, PVS1_strong, PM3_moderate

Variantyx, Inc.
Classification: Pathogenic for autosomal recessive RPE65-related disorders. Last evaluated: 2026-01-21. Review status: criteria provided, single submitter. Criteria: Variantyx Assertion Criteria 2022. Collection method: clinical testing. Allele origin: germline. Inheritance: Autosomal recessive inheritance. Not counted in ClinVar's aggregate classification.
Comment: This is an intronic variant in the RPE65 gene (OMIM: 180069). Pathogenic variants in this gene have been associated with autosomal recessive RPE65-related disorders. This variant introduces a premature termination codon in exon 4 out of 13 and is expected to result in loss of function, which is a known disease mechanism for RPE65 in these disorders (PMID: 26364624) (PVS1). This variant has been reported in the homozygous or compound heterozygous state in at least one affected individual (PMID: 26364624) (PM3_Supporting). It has a 0.0113% maximum allele frequency in non-founder control populations (PM2_Supporting). Other reputable laboratories have reported this variant as pathogenic or likely pathogenic, and this classification has been validated by an expert panel in ClinVar (PP5). Based on the current evidence, this variant is classified as pathogenic for autosomal recessive RPE65-related disorders.

Ambry Genetics
Classification: Pathogenic for Inborn genetic diseases. Last evaluated: 2026-01-07. Review status: criteria provided, single submitter. Criteria: Ambry Variant Classification Scheme 2023. Collection method: clinical testing. Allele origin: germline. Not counted in ClinVar's aggregate classification.
Comment: The c.246-11A>G intronic variant results from an A to G substitution 11 nucleotides upstream from coding exon 4 in the RPE65 gene. This variant has been identified in conjunction with other RPE65 variants in individuals with features consistent with RPE65-related retinopathy; in at least one instance, the variants were identified in trans (Tucker BA et al. Transl Res, 2015 Dec;166:740-749.e1; Le Meur G et al. Mol Ther, 2018 Jan;26:256-268; Stingl K et al. Br J Ophthalmol, 2022 Jun;106:831-838). RNA studies have demonstrated that this alteration results in abnormal splicing in the set of samples tested (Tucker BA et al. Transl Res, 2015 Dec;166:740-749.e1). This nucleotide position is not well conserved in available vertebrate species. In silico splice site analysis predicts that this alteration may weaken the native splice acceptor site and may result in the creation or strengthening of a novel splice acceptor site. This variant is considered to be rare based on population cohorts in the Genome Aggregation Database (gnomAD). Based on the supporting evidence, this variant is interpreted as a disease-causing mutation.

Labcorp Genetics (formerly Invitae), Labcorp
Classification: Pathogenic for Leber congenital amaurosis 2; Retinitis pigmentosa 20. Last evaluated: 2025-10-06. Review status: criteria provided, single submitter. Criteria: Invitae Variant Classification Sherloc (09022015). Collection method: clinical testing. Allele origin: germline. Not counted in ClinVar's aggregate classification.
Comment: This sequence change falls in intron 3 of the RPE65 gene. It does not directly change the encoded amino acid sequence of the RPE65 protein. RNA analysis indicates that this variant induces altered splicing and may result in an absent or altered protein product. This variant is present in population databases (no rsID available, gnomAD 0.007%). This variant has been observed in individual(s) with clinical features of autosomal recessive RPE65-related conditions (PMID: 26364624, 29033008, 33472769). In at least one individual the data is consistent with being in trans (on the opposite chromosome) from a pathogenic variant. This variant is also known as IVS3-11. ClinVar contains an entry for this variant (Variation ID: 973955). Studies have shown that this variant results in activation of a cryptic splice site, and produces a non-functional protein and/or introduces a premature termination codon (PMID: 26364624). For these reasons, this variant has been classified as Pathogenic.

Baylor Genetics
Classification: Likely pathogenic for Leber congenital amaurosis 2. Last evaluated: 2023-06-17. Review status: criteria provided, single submitter. Criteria: ACMG Guidelines, 2015. Collection method: clinical testing. Allele origin: unknown. Not counted in ClinVar's aggregate classification.

Women's Health and Genetics/Laboratory Corporation of America, LabCorp
Classification: Likely pathogenic for Leber congenital amaurosis. Last evaluated: 2022-10-08. Review status: criteria provided, single submitter. Criteria: LabCorp Variant Classification Summary - May 2015. Collection method: clinical testing. Allele origin: germline. Not counted in ClinVar's aggregate classification.
Comment: Variant summary: RPE65 c.246-11A>G alters a non-conserved nucleotide located close to a canonical splice site and therefore could affect mRNA splicing, leading to a significantly altered protein sequence. Several computational tools predict a significant impact on normal splicing: Four predict the variant creates a cryptic 3' acceptor site, one predicts the variant abolishes a canonical 3' acceptor site, and three predict the variant weakens a canonical 3' acceptor site. At least one publication reports experimental evidence showing that this variant affects mRNA splicing, resulting in the inclusion of a pseudoexon that causes a frameshift (Tucker_2015). The variant allele was found at a frequency of 4e-06 in 250758 control chromosomes (gnomAD). c.246-11A>G has been reported in the literature as a biallelic genotype in individuals affected with Leber Congenital Amaurosis and Early Onset Retinal Degeneration (e.g. Tucker_2015, Le Meur_2018, Stingl_2022). These data indicate that the variant may be associated with disease. No clinical diagnostic laboratories have submitted clinical-significance assessments for this variant to ClinVar after 2014. Based on the evidence outlined above, the variant was classified as likely pathogenic.

Fulgent Genetics
Classification: Likely pathogenic for Leber congenital amaurosis 2; Retinitis pigmentosa 20; Retinitis pigmentosa 87 with choroidal involvement. Last evaluated: 2021-11-08. Review status: criteria provided, single submitter. Criteria: ACMG Guidelines, 2015. Collection method: clinical testing. Allele origin: unknown. Not counted in ClinVar's aggregate classification.

Blueprint Genetics
Classification: Likely pathogenic for RPE65-related disorders. Last evaluated: 2021-03-27. Review status: criteria provided, single submitter. Criteria: ACMG Guidelines, 2015. Collection method: clinical testing. Allele origin: germline. Affected: yes. Observed: 3 variant alleles. Not counted in ClinVar's aggregate classification.

Institute of Human Genetics, Univ. Regensburg, Univ. Regensburg
Classification: Likely pathogenic for Retinal dystrophy. Last evaluated: 2009-01-01. Review status: criteria provided, single submitter. Criteria: ACMG Guidelines, 2015. Collection method: clinical testing. Allele origin: germline. Affected: yes. Not counted in ClinVar's aggregate classification.

Laboratory of Genetics in Ophthalmology, Institut Imagine
Classification: Pathogenic for Leber congenital amaurosis 2. Review status: no assertion criteria provided. Collection method: research. Allele origin: inherited. Affected: yes. Observed: 2 variant alleles. Not counted in ClinVar's aggregate classification.

Literature cited by the submitters: PubMed 26364624 (cited by 6 submitters); PubMed 29033008 (cited by 3 submitters); PubMed 33472769 (cited by 3 submitters); PubMed 3196484 (cited by Institute of Human Genetics, Univ. Regensburg, Univ. Regensburg).